The following is an entry in ClinVar:

NM_000232.5(SGCB):c.496A>G (p.Ile166Val)

Gene: SGCB (sarcoglycan beta; minus strand). Cytogenetic location: 4q12.
Variant type: single nucleotide variant.
Coding change: c.496A>G on transcript NM_000232.5 (MANE Select); coding-DNA position 496, A replaced by G.
Protein change: p.Ile166Val; replaces isoleucine 166 with valine.
Molecular consequence: missense variant.
Genome position (GRCh38, 1-based): chr4:52,028,855, T>C on the plus strand (A>G on the coding strand, the complement: SGCB is on the minus strand). VCF-style: chr4-52028855-T-C. GRCh37 (hg19) VCF-style: chr4-52895021-T-C.
Other names: short protein forms I166V.
Identifiers: ClinVar variation 285961 (VCV000285961.50), dbSNP rs138877636, ClinGen allele CA2918377.

ClinVar aggregate classification (germline): Conflicting classifications of pathogenicity. Review status: criteria provided, conflicting classifications (1 of 4 stars). 12 submissions from 12 submitters: Uncertain significance (10); Likely benign (1). 1 of the submissions does not count toward it. Last evaluated 2025-03-10.

Conditions:
Inborn genetic diseases. Identifiers: MedGen C0950123, MeSH D030342.
Qualitative or quantitative defects of beta-sarcoglycan. Identifiers: Orphanet 207063, MedGen C2930900, MONDO:0016142.
Autosomal recessive limb-girdle muscular dystrophy type 2E (LGMDR4). Also called: MUSCULAR DYSTROPHY, LIMB-GIRDLE, AUTOSOMAL RECESSIVE 4. Identifiers: Orphanet 119, MedGen C1858593, MONDO:0011423, OMIM 604286. Disease mechanism: Affects gamma-sarcoglycan and also disrupts the integrity of the entire sarcoglycan complex..

Allele frequency attached by ClinVar (database versions not stated): gnomAD 0.00028; TOPMed 0.00029; gnomAD exomes 0.00035 and 0.00037; ExAC 0.00044; ESP Exome Variant Server 0.00054.
gnomAD v4.1: 550 of 1,613,708 alleles (0.034%); highest among the groups gnomAD compares: Middle Eastern, 0.066%; no homozygotes.

Submissions (12):

Revvity Omics, Revvity
Classification: Uncertain significance for Autosomal recessive limb-girdle muscular dystrophy type 2E. Last evaluated: 2025-03-10. Review status: criteria provided, single submitter. Criteria: ACMG Guidelines, 2015. Collection method: clinical testing. Allele origin: germline.

Blueprint Genetics
Classification: Uncertain significance. Last evaluated: 2024-11-26. Review status: criteria provided, single submitter. Criteria: ACMG Guidelines, 2015. Collection method: clinical testing. Allele origin: germline.

CeGaT Center for Human Genetics Tuebingen
Classification: Uncertain significance. Last evaluated: 2024-03-01. Review status: criteria provided, single submitter. Criteria: CeGaT Center For Human Genetics Tuebingen Variant Classification Criteria Version 2. Collection method: clinical testing. Allele origin: germline. Affected: yes. Observed: 2 variant alleles.

Athena Diagnostics
Classification: Likely benign. Last evaluated: 2024-02-06. Review status: criteria provided, single submitter. Criteria: Athena Diagnostics Criteria. Collection method: clinical testing. Allele origin: unknown.

Mayo Clinic Laboratories, Mayo Clinic
Classification: Uncertain significance. Last evaluated: 2023-05-25. Review status: criteria provided, single submitter. Criteria: ACMG Guidelines, 2015. Collection method: clinical testing. Allele origin: germline. Observed: 3 variant alleles.
Comment: BP4

Labcorp Genetics (formerly Invitae), Labcorp
Classification: Uncertain significance for Autosomal recessive limb-girdle muscular dystrophy type 2E. Last evaluated: 2022-10-24. Review status: criteria provided, single submitter. Criteria: Invitae Variant Classification Sherloc (09022015). Collection method: clinical testing. Allele origin: germline.
Comment: This sequence change replaces isoleucine, which is neutral and non-polar, with valine, which is neutral and non-polar, at codon 166 of the SGCB protein (p.Ile166Val). This variant is present in population databases (rs138877636, gnomAD 0.07%). This variant has not been reported in the literature in individuals affected with SGCB-related conditions. ClinVar contains an entry for this variant (Variation ID: 285961). Algorithms developed to predict the effect of missense changes on protein structure and function (SIFT, PolyPhen-2, Align-GVGD) all suggest that this variant is likely to be tolerated. In summary, the available evidence is currently insufficient to determine the role of this variant in disease. Therefore, it has been classified as a Variant of Uncertain Significance.

Ambry Genetics
Classification: Uncertain significance for Inborn genetic diseases. Last evaluated: 2022-04-28. Review status: criteria provided, single submitter. Criteria: Ambry Variant Classification Scheme 2023. Collection method: clinical testing. Allele origin: germline.

Fulgent Genetics
Classification: Uncertain significance for Autosomal recessive limb-girdle muscular dystrophy type 2E. Last evaluated: 2021-11-10. Review status: criteria provided, single submitter. Criteria: ACMG Guidelines, 2015. Collection method: clinical testing. Allele origin: unknown.

GeneDx
Classification: Uncertain significance. Last evaluated: 2018-08-30. Review status: criteria provided, single submitter. Criteria: GeneDx Variant Classification (06012015). Collection method: clinical testing. Allele origin: germline. Affected: yes.
Comment: A variant of uncertain significance has been identified in the SGCB gene. The I166V variant has not been published as a pathogenic variant, nor has it been reported as a benign variant to our knowledge. It was not observed with any significant frequency in approximately 6,500 individuals of European and African American ancestry in the NHLBI Exome Sequencing Project. The I166V variant is a conservative amino acid substitution, which is not likely to impact secondary protein structure as these residues share similar properties. This substitution occurs at a position where amino acids with similar properties to Isoleucine are tolerated across species. However, in silico analysis is inconsistent in its predictions as to whether or not the variant is damaging to the protein structure/function. Therefore, based on the currently available information, it is unclear whether this variant is a pathogenic variant or a rare benign variant.

Eurofins Ntd Llc (ga)
Classification: Uncertain significance. Last evaluated: 2018-07-10. Review status: criteria provided, single submitter. Criteria: EGL ClinVar v180209 classification definitions. Collection method: clinical testing. Allele origin: germline. Observed: 8 variant alleles, 8 heterozygotes.

Illumina Laboratory Services, Illumina
Classification: Uncertain significance for Qualitative or quantitative defects of beta-sarcoglycan. Last evaluated: 2018-01-12. Review status: criteria provided, single submitter. Criteria: ICSL Variant Classification Criteria 13 December 2019. Collection method: clinical testing. Allele origin: germline.

Natera, Inc.
Classification: Uncertain significance for Limb-girdle muscular dystrophy type 2E. Last evaluated: 2020-04-21. Review status: no assertion criteria provided. Collection method: clinical testing. Allele origin: germline. Not counted in ClinVar's aggregate classification.